The following is an entry in ClinVar:

NM_021072.4(HCN1):c.1008G>C (p.Met336Ile)

Gene: HCN1 (hyperpolarization activated cyclic nucleotide gated potassium channel 1; minus strand). Cytogenetic location: 5p12.
Variant type: single nucleotide variant.
Coding change: c.1008G>C on transcript NM_021072.4 (MANE Select); coding-DNA position 1008, G replaced by C.
Protein change: p.Met336Ile; replaces methionine 336 with isoleucine.
Molecular consequence: missense variant.
Genome position (GRCh38, 1-based): chr5:45,461,849, C>G on the plus strand (G>C on the coding strand, the complement: HCN1 is on the minus strand). VCF-style: chr5-45461849-C-G. GRCh37 (hg19) VCF-style: chr5-45461951-C-G.
Other names: short protein forms M336I.
Identifiers: ClinVar variation 1036969 (VCV001036969.9), dbSNP rs1051256215, ClinGen allele CA359704630.

ClinVar aggregate classification (germline): Uncertain significance (1 of 4 stars; one submission).

Conditions:
Early-infantile DEE. Also called: Ohtahara syndrome; Early infantile epileptic encephalopathy; Early infantile epileptic encephalopathy with suppression bursts. Identifiers: Orphanet 1934, MedGen C0393706, MONDO:0800491.

Submission:

Labcorp Genetics (formerly Invitae), Labcorp
Classification: Uncertain significance for Early-infantile DEE. Last evaluated: 2020-09-05. Review status: criteria provided, single submitter. Criteria: Invitae Variant Classification Sherloc (09022015). Collection method: clinical testing. Allele origin: germline.
Comment: In summary, the available evidence is currently insufficient to determine the role of this variant in disease. Therefore, it has been classified as a Variant of Uncertain Significance. Algorithms developed to predict the effect of missense changes on protein structure and function (SIFT, PolyPhen-2, Align-GVGD) all suggest that this variant is likely to be tolerated, but these predictions have not been confirmed by published functional studies and their clinical significance is uncertain. This variant has not been reported in the literature in individuals with HCN1-related conditions. This variant is not present in population databases (ExAC no frequency). This sequence change replaces methionine with isoleucine at codon 336 of the HCN1 protein (p.Met336Ile). The methionine residue is highly conserved and there is a small physicochemical difference between methionine and isoleucine.